The following is an entry in ClinVar:

NM_000329.3(RPE65):c.886A>T (p.Arg296Trp)

Gene: RPE65 (retinoid isomerohydrolase RPE65; minus strand). Cytogenetic location: 1p31.3.
Variant type: single nucleotide variant.
Coding change: c.886A>T on transcript NM_000329.3 (MANE Select); coding-DNA position 886, A replaced by T.
Protein change: p.Arg296Trp; replaces arginine 296 with tryptophan.
Molecular consequence: missense variant.
Genome position (GRCh38, 1-based): chr1:68,439,054, T>A on the plus strand (A>T on the coding strand, the complement: RPE65 is on the minus strand). VCF-style: chr1-68439054-T-A. GRCh37 (hg19) VCF-style: chr1-68904737-T-A.
Other names: c.778A>T, p.Arg260Trp (NM_001406853.1); c.610A>T, p.Arg204Trp (NM_001406856.1, NM_001406857.1); c.886A>T, p.Arg296Trp (NM_001406859.1); short protein forms R204W, R260W, R296W.
Identifiers: ClinVar variation 3753608 (VCV003753608.2).

ClinVar aggregate classification (germline): Uncertain significance (1 of 4 stars; one submission).

Conditions:
Retinitis pigmentosa 20 (RP20). Identifiers: Orphanet 791, MedGen C3151086, MONDO:0013425, OMIM 613794.
Leber congenital amaurosis 2 (LCA2). Also called: AMAUROSIS CONGENITA OF LEBER II; Autosomal Recessive RPE65-Related Retinal Degeneration. Identifiers: Orphanet 65, MedGen C1859844, MONDO:0008765, OMIM 204100. Disease mechanism: loss of function.

Submission:

Labcorp Genetics (formerly Invitae), Labcorp
Classification: Uncertain significance for Leber congenital amaurosis 2; Retinitis pigmentosa 20. Last evaluated: 2024-03-07. Review status: criteria provided, single submitter. Criteria: Invitae Variant Classification Sherloc (09022015). Collection method: clinical testing. Allele origin: germline.
Comment: This sequence change replaces arginine, which is basic and polar, with tryptophan, which is neutral and slightly polar, at codon 296 of the RPE65 protein (p.Arg296Trp). This variant is not present in population databases (gnomAD no frequency). This variant has not been reported in the literature in individuals affected with RPE65-related conditions. Advanced modeling of protein sequence and biophysical properties (such as structural, functional, and spatial information, amino acid conservation, physicochemical variation, residue mobility, and thermodynamic stability) performed at Invitae indicates that this missense variant is not expected to disrupt RPE65 protein function with a negative predictive value of 80%. In summary, the available evidence is currently insufficient to determine the role of this variant in disease. Therefore, it has been classified as a Variant of Uncertain Significance.